The following is an entry in ClinVar:

ClinVar aggregate classification (germline): Pathogenic/Likely pathogenic. Review status: criteria provided, multiple submitters, no conflicts (2 of 4 stars). 6 submissions from 6 submitters: Pathogenic (4); Likely pathogenic (2). Last evaluated 2025-11-13.

Conditions:
Primary ciliary dyskinesia 3. Identifiers: Orphanet 244, MedGen C1837618, MONDO:0012085, OMIM 608644.
Primary ciliary dyskinesia. Also called: Ciliary dyskinesia. Identifiers: Orphanet 244, MedGen C0008780, MONDO:0016575, HP:0012265.

Submissions (6):

3billion
Classification: Pathogenic for Primary ciliary dyskinesia 3. Last evaluated: 2025-11-13. Review status: criteria provided, single submitter. Criteria: ACMG Guidelines, 2015. Collection method: clinical testing. Allele origin: germline. Affected: yes.
Comment: The variant is observed at an extremely low frequency in the gnomAD v4.1.0 dataset (total allele frequency: <0.001%). Predicted Consequence/Location: Stop-gained (nonsense): predicted to result in a loss or disruption of normal protein function through nonsense-mediated decay (NMD) or protein truncation. Multiple pathogenic variants are reported downstream of the variant. The variant has been reported at least twice as pathogenic with clinical assertions and evidence for the classification (ClinVar ID: VCV000225341 /PMID: 31118369 /3billion dataset). Therefore, this variant is classified as Pathogenic according to the recommendation of ACMG/AMP guideline.

Labcorp Genetics (formerly Invitae), Labcorp
Classification: Pathogenic for Primary ciliary dyskinesia. Last evaluated: 2025-09-22. Review status: criteria provided, single submitter. Criteria: Invitae Variant Classification Sherloc (09022015). Collection method: clinical testing. Allele origin: germline.
Comment: This sequence change creates a premature translational stop signal (p.Leu3122*) in the DNAH5 gene. It is expected to result in an absent or disrupted protein product. Loss-of-function variants in DNAH5 are known to be pathogenic (PMID: 11788826, 16627867). This variant is present in population databases (no rsID available, gnomAD 0.01%). This variant has not been reported in the literature in individuals affected with DNAH5-related conditions. ClinVar contains an entry for this variant (Variation ID: 225341). For these reasons, this variant has been classified as Pathogenic.

GeneDx
Classification: Likely pathogenic. Last evaluated: 2025-03-19. Review status: criteria provided, single submitter. Criteria: GeneDx Variant Classification Process June 2021. Collection method: clinical testing. Allele origin: germline. Affected: yes.
Comment: Observed with a pathogenic or likely pathogenic variant on the opposite allele (in trans) in published literature (PMID: 31118369, 34391405); Nonsense variant predicted to result in protein truncation or nonsense mediated decay in a gene for which loss of function is a known mechanism of disease; This variant is associated with the following publications: (PMID: 31118369, 36864285, 34391405)

Natera, Inc.
Classification: Pathogenic for Primary ciliary dyskinesia. Last evaluated: 2025-01-27. Review status: criteria provided, single submitter. Criteria: Natera Variant Classification Schema (03/2026). Collection method: clinical testing. Allele origin: germline.
Comment: The c.9365delT variant in DNAH5 is a frameshift variant predicted to shift the reading frame and introduce a stop codon. This variant is expected to result in nonsense mediated decay, truncation, or a dysfunctional protein product. This variant is rare in the general population with a frequency below the threshold expected for the associated phenotype(s). This variant has been observed in one or more individuals affected with the associated recessive disease, as either homozygous or compound heterozygous with a second variant (PMID: 37957793, 36864285, 34391405, 33589394). Additionally, this variant has been observed to segregate in affected family members (PMID: 31118369). Given the available evidence, this variant is classified as Pathogenic.

Fulgent Genetics
Classification: Pathogenic for Primary ciliary dyskinesia 3. Last evaluated: 2024-01-04. Review status: criteria provided, single submitter. Criteria: ACMG Guidelines, 2015. Collection method: clinical testing. Allele origin: germline.

Soonchunhyang University Bucheon Hospital, Soonchunhyang University Medical Center
Classification: Likely pathogenic for Primary ciliary dyskinesia 3. Last evaluated: 2016-03-18. Review status: criteria provided, single submitter. Criteria: ACMG Guidelines, 2015. Collection method: reference population. Allele origin: germline. Observed: 1 variant allele.

Literature cited by the submitters: PubMed 31118369 (cited by 3billion and Natera, Inc.); PubMed 11788826 (cited by Labcorp Genetics (formerly Invitae), Labcorp); PubMed 16627867 (cited by Labcorp Genetics (formerly Invitae), Labcorp); PubMed 37957793 (cited by Natera, Inc.); PubMed 36864285 (cited by Natera, Inc.); PubMed 34391405 (cited by Natera, Inc.); PubMed 33589394 (cited by Natera, Inc.); PubMed 11912187 (cited by Soonchunhyang University Bucheon Hospital, Soonchunhyang University Medical Center).

NM_001369.3(DNAH5):c.9365del (p.Ala3121_Leu3122insTer)

Gene: DNAH5 (dynein axonemal heavy chain 5; minus strand). Cytogenetic location: 5p15.2.
Variant type: Deletion.
Coding change: c.9365del on transcript NM_001369.3 (MANE Select); coding-DNA position 9365, one base deleted (T; older notation c.9365delT).
Protein change: p.Ala3121_Leu3122insTer.
Molecular consequence: nonsense.
Genome position (GRCh38, 1-based): chr5:13,776,447, A deleted on the plus strand (T on the coding strand, the reverse complement: DNAH5 is on the minus strand); the first of 3 consecutive A bases (chr5:13,776,447-13,776,449); deleting any one gives the same sequence. VCF-style (leftmost placement, unchanged base first): chr5-13776446-TA-T. GRCh37 (hg19) VCF-style: chr5-13776555-TA-T.
Other names: c.9365del (NM_001369.2); c.9365delT (NM_001369.2).
Identifiers: ClinVar variation 225341 (VCV000225341.17), dbSNP rs1060501460, ClinGen allele CA16609697.
Genomic context (GRCh38, chr5:13,776,446, plus strand): 5'-ACTAGAATCCTTGAACACATGTTATGCCCTGGCATAAACATTTCCATACTAACCAGCAAC[TA>T]AAGCATCTTTGGGCCATCGGCTGAACCAGTCAATTGTGCATCCTGAAATTAGGGCAGGGA-3'